The following is an entry in ClinVar:

ClinVar aggregate classification (germline): Uncertain significance (1 of 4 stars; one submission).

gnomAD v4.1: 9 of 1,613,866 alleles (0.00056%); highest among the groups gnomAD compares: Non-Finnish European, 0.00076%; no homozygotes.

Submission:

Labcorp Genetics (formerly Invitae), Labcorp
Classification: Uncertain significance. Last evaluated: 2025-05-12. Review status: criteria provided, single submitter. Criteria: Invitae Variant Classification Sherloc (09022015). Collection method: clinical testing. Allele origin: germline.
Comment: This sequence change replaces tryptophan, which is neutral and slightly polar, with cysteine, which is neutral and slightly polar, at codon 580 of the NLRP1 protein (p.Trp580Cys). This variant is not present in population databases (gnomAD no frequency). This variant has not been reported in the literature in individuals affected with NLRP1-related conditions. ClinVar contains an entry for this variant (Variation ID: 3700956). An algorithm developed to predict the effect of missense changes on protein structure and function outputs the following: PolyPhen-2: "Benign". The cysteine amino acid residue is found in multiple mammalian species, which suggests that this missense change does not adversely affect protein function. In summary, the available evidence is currently insufficient to determine the role of this variant in disease. Therefore, it has been classified as a Variant of Uncertain Significance.

NM_033004.4(NLRP1):c.1740G>C (p.Trp580Cys)

Gene: NLRP1 (NLR family pyrin domain containing 1; minus strand). Cytogenetic location: 17p13.2.
Variant type: single nucleotide variant.
Coding change: c.1740G>C on transcript NM_033004.4 (MANE Select); coding-DNA position 1740, G replaced by C.
Protein change: p.Trp580Cys; replaces tryptophan 580 with cysteine.
Molecular consequence: missense variant.
Genome position (GRCh38, 1-based): chr17:5,558,956, C>G on the plus strand (G>C on the coding strand, the complement: NLRP1 is on the minus strand). VCF-style: chr17-5558956-C-G. GRCh37 (hg19) VCF-style: chr17-5462276-C-G.
Other names: c.1740G>C, p.Trp580Cys (NM_001033053.3, NM_014922.5, NM_033006.4 and 1 more transcripts); short protein forms W580C.
Identifiers: ClinVar variation 3700956 (VCV003700956.2).
Genomic context (GRCh38, chr17:5,558,956, plus strand): 5'-GATGGCCCCATCTAACCCATGCTTCCTGAGGTCATCTGGACTGAAAAGGGTCTTTTTTTG[C>G]CAGATGCCCTCAGCAGCCAGAGAGCAGAGGTCTCTGAGCTGGGGTCCCAATGGCTGAGCT-3'
Protein context (NP_127497.1, residues 570-590): DLCSLAAEGI[Trp580Cys]QKKTLFSPDD